The following is an entry in ClinVar:

ClinVar aggregate classification (germline): Uncertain significance (1 of 4 stars; one submission).

Conditions:
Birt-Hogg-Dube syndrome. Also called: Birt Hogg Dubé syndrome. Identifiers: Orphanet 122, MedGen C0346010, MONDO:0800444.

gnomAD v4.1: 1 of 1,614,164 alleles (0.000062%); highest among the groups gnomAD compares: Non-Finnish European, 0.000085%; no homozygotes.

Submission:

Labcorp Genetics (formerly Invitae), Labcorp
Classification: Uncertain significance for Birt-Hogg-Dube syndrome. Last evaluated: 2023-08-19. Review status: criteria provided, single submitter. Criteria: Invitae Variant Classification Sherloc (09022015). Collection method: clinical testing. Allele origin: germline.
Comment: This sequence change replaces alanine, which is neutral and non-polar, with glycine, which is neutral and non-polar, at codon 327 of the FLCN protein (p.Ala327Gly). This variant is not present in population databases (gnomAD no frequency). This variant has not been reported in the literature in individuals affected with FLCN-related conditions. ClinVar contains an entry for this variant (Variation ID: 1484751). Advanced modeling of protein sequence and biophysical properties (such as structural, functional, and spatial information, amino acid conservation, physicochemical variation, residue mobility, and thermodynamic stability) performed at Invitae indicates that this missense variant is not expected to disrupt FLCN protein function. In summary, the available evidence is currently insufficient to determine the role of this variant in disease. Therefore, it has been classified as a Variant of Uncertain Significance.

NM_144997.7(FLCN):c.980C>G (p.Ala327Gly)

Gene: FLCN (folliculin; minus strand). Cytogenetic location: 17p11.2.
Variant type: single nucleotide variant.
Coding change: c.980C>G on transcript NM_144997.7 (MANE Select); coding-DNA position 980, C replaced by G.
Protein change: p.Ala327Gly; replaces alanine 327 with glycine.
Molecular consequence: missense variant.
Genome position (GRCh38, 1-based): chr17:17,219,101, G>C on the plus strand (C>G on the coding strand, the complement: FLCN is on the minus strand). VCF-style: chr17-17219101-G-C. GRCh37 (hg19) VCF-style: chr17-17122415-G-C.
Other names: c.1034C>G, p.Ala345Gly (NM_001353229.2); c.980C>G, p.Ala327Gly (NM_001353230.2, NM_001353231.2); short protein forms A327G, A345G.
Identifiers: ClinVar variation 1484751 (VCV001484751.8), dbSNP rs2144895595, ClinGen allele CA398532881.
Genomic context (GRCh38, chr17:17,219,101, plus strand): 5'-TTGAAGACTGGCAGCTTCCGGGGCTGCCAGCTCCCACAGCCTGAGAGAGAGGAGGACTCT[G>C]CCGGGCCCTGGGTCAGCTCCCGCCCTTCTGTACTCTCTGGCAACACAGGGGCTTTCTCCT-3'
Protein context (NP_659434.2, residues 317-337): TEGRELTQGP[Ala327Gly]ESSSLSGCGS